The following is an entry in ClinVar:

ClinVar aggregate classification (germline): Uncertain significance. Review status: criteria provided, multiple submitters, no conflicts (2 of 4 stars). 2 submissions from 2 submitters: Uncertain significance (2). Last evaluated 2023-11-07.

Conditions:
Retinitis pigmentosa 59 (RP59). Identifiers: Orphanet 791, MedGen C3151227, MONDO:0013468, OMIM 613861.

gnomAD v4.1: 2 of 1,613,094 alleles (0.00012%); highest among the groups gnomAD compares: African/African-American, 0.0027%; no homozygotes.

Submissions (2):

Labcorp Genetics (formerly Invitae), Labcorp
Classification: Uncertain significance for Retinitis pigmentosa 59. Last evaluated: 2023-11-07. Review status: criteria provided, single submitter. Criteria: Invitae Variant Classification Sherloc (09022015). Collection method: clinical testing. Allele origin: germline.
Comment: This sequence change replaces serine, which is neutral and polar, with arginine, which is basic and polar, at codon 252 of the DHDDS protein (p.Ser252Arg). This variant is not present in population databases (gnomAD no frequency). This variant has not been reported in the literature in individuals affected with DHDDS-related conditions. Advanced modeling of protein sequence and biophysical properties (such as structural, functional, and spatial information, amino acid conservation, physicochemical variation, residue mobility, and thermodynamic stability) performed at Invitae indicates that this missense variant is not expected to disrupt DHDDS protein function with a negative predictive value of 80%. In summary, the available evidence is currently insufficient to determine the role of this variant in disease. Therefore, it has been classified as a Variant of Uncertain Significance.

Blueprint Genetics
Classification: Uncertain significance. Last evaluated: 2020-04-24. Review status: criteria provided, single submitter. Criteria: ACMG Guidelines, 2015. Collection method: clinical testing. Allele origin: germline.

NM_205861.3(DHDDS):c.756C>A (p.Ser252Arg)

Gene: DHDDS (dehydrodolichyl diphosphate synthase subunit; plus strand). Cytogenetic location: 1p36.11.
Variant type: single nucleotide variant.
Coding change: c.756C>A on transcript NM_205861.3 (MANE Select); coding-DNA position 756, C replaced by A.
Protein change: p.Ser252Arg; replaces serine 252 with arginine.
Molecular consequence: missense variant.
Genome position (GRCh38, 1-based): chr1:26,460,135, C>A. VCF-style: chr1-26460135-C-A. GRCh37 (hg19) VCF-style: chr1-26786626-C-A.
Other names: c.654C>A, p.Ser218Arg (NM_001243564.2); c.639C>A, p.Ser213Arg (NM_001243565.2); c.477C>A, p.Ser159Arg (NM_001319959.2); c.756C>A, p.Ser252Arg (NM_024887.4); short protein forms S213R, S252R, S159R, S218R.
Identifiers: ClinVar variation 2983556 (VCV002983556.4), dbSNP rs565600867, ClinGen allele CA19775251.